The following is an entry in ClinVar:

NM_000548.5(TSC2):c.3573C>T (p.Thr1191=)

Gene: TSC2 (TSC complex subunit 2; plus strand). Cytogenetic location: 16p13.3.
Variant type: single nucleotide variant.
Coding change: c.3573C>T on transcript NM_000548.5 (MANE Select); coding-DNA position 3573, C replaced by T.
Protein change: p.Thr1191=; no amino-acid change (threonine 1191 retained).
Molecular consequence: synonymous variant.
Genome position (GRCh38, 1-based): chr16:2,080,340, C>T. VCF-style: chr16-2080340-C-T. GRCh37 (hg19) VCF-style: chr16-2130341-C-T.
Other names: c.3441C>T, p.Thr1147= (NM_001077183.3, NM_001370404.1); c.3573C>T, p.Thr1191= (NM_001114382.3); c.3333C>T, p.Thr1111= (NM_001318827.2); c.3297C>T, p.Thr1099= (NM_001318829.2); c.2841C>T, p.Thr947= (NM_001318831.2); c.3474C>T, p.Thr1158= (NM_001318832.2); c.3444C>T, p.Thr1148= (NM_001363528.2, NM_001370405.1, NM_021055.3).
Identifiers: ClinVar variation 1105598 (VCV001105598.12), dbSNP rs768318835, ClinGen allele CA493043127.

ClinVar aggregate classification (germline): Benign/Likely benign. Review status: criteria provided, multiple submitters, no conflicts (2 of 4 stars). 3 submissions from 3 submitters: Benign (1); Likely benign (2). Last evaluated 2025-10-07.

Conditions:
Tuberous sclerosis 2 (TSC2). Identifiers: Orphanet 805, MedGen C1860707, MONDO:0013199, OMIM 613254.
Hereditary cancer-predisposing syndrome. Also called: Hereditary neoplastic syndrome; Tumor predisposition; Neoplastic Syndromes, Hereditary; Hereditary Cancer Syndrome. Identifiers: Orphanet 140162, MedGen C0027672, MeSH D009386, MONDO:0015356.

Allele frequency attached by ClinVar (database versions not stated): gnomAD 0.00001.
gnomAD v4.1: 2 of 1,612,388 alleles (0.00012%); highest among the groups gnomAD compares: Admixed American, 0.0017%; no homozygotes.

Submissions (3):

Labcorp Genetics (formerly Invitae), Labcorp
Classification: Likely benign for Tuberous sclerosis 2. Last evaluated: 2025-10-07. Review status: criteria provided, single submitter. Criteria: Invitae Variant Classification Sherloc (09022015). Collection method: clinical testing. Allele origin: germline.

Myriad Genetics, Inc.
Classification: Benign for Tuberous sclerosis 2. Last evaluated: 2025-05-29. Review status: criteria provided, single submitter. Criteria: Myriad Autosomal Dominant, Autosomal Recessive and X-Linked Classification Criteria (2023). Collection method: clinical testing. Allele origin: unknown.
Comment: This variant is considered benign. This variant is a silent/synonymous amino acid change and it is not expected to impact splicing.

Ambry Genetics
Classification: Likely benign for Hereditary cancer-predisposing syndrome. Last evaluated: 2019-09-30. Review status: criteria provided, single submitter. Criteria: Ambry Variant Classification Scheme 2023. Collection method: clinical testing. Allele origin: germline.